The following is an entry in ClinVar:

ClinVar aggregate classification (germline): other (0 of 4 stars; one submission).

Conditions:
Familial colorectal cancer. Identifiers: MedGen CN280943, MONDO:0023113. Disease mechanism: loss of function.

Submission:

Systems Biology Platform Zhejiang California International NanoSystems Institute
Classification: other for Familial colorectal cancer. Review status: no assertion criteria provided. Collection method: not provided. Allele origin: unknown.
ClinVar note: Converted during submission from cancer to other.

NC_000005.10:g.112846422T>G

Variant type: single nucleotide variant.
Genome position: GRCh38 VCF-style: chr5-112846422-T-G. GRCh37 (hg19) VCF-style: chr5-112182119-T-G.
Identifiers: ClinVar variation 83267 (VCV000083267.2), dbSNP rs75293893, ClinGen allele CA250959.